The following is an entry in ClinVar:

ClinVar aggregate classification (germline): Uncertain significance (1 of 4 stars; one submission).

Submission:

Labcorp Genetics (formerly Invitae), Labcorp
Classification: Uncertain significance. Last evaluated: 2024-10-14. Review status: criteria provided, single submitter. Criteria: Invitae Variant Classification Sherloc (09022015). Collection method: clinical testing. Allele origin: germline.
Comment: This sequence change replaces proline, which is neutral and non-polar, with alanine, which is neutral and non-polar, at codon 1981 of the EYS protein (p.Pro1981Ala). This variant is not present in population databases (gnomAD no frequency). This variant has not been reported in the literature in individuals affected with EYS-related conditions. Invitae Evidence Modeling of protein sequence and biophysical properties (such as structural, functional, and spatial information, amino acid conservation, physicochemical variation, residue mobility, and thermodynamic stability) indicates that this missense variant is expected to disrupt EYS protein function with a positive predictive value of 80%. In summary, the available evidence is currently insufficient to determine the role of this variant in disease. Therefore, it has been classified as a Variant of Uncertain Significance.

NM_001142800.2(EYS):c.5941C>G (p.Pro1981Ala)

Gene: EYS (eyes shut homolog; minus strand). Cytogenetic location: 6q12.
Variant type: single nucleotide variant.
Coding change: c.5941C>G on transcript NM_001142800.2 (MANE Select); coding-DNA position 5941, C replaced by G.
Protein change: p.Pro1981Ala; replaces proline 1981 with alanine.
Molecular consequence: missense variant.
Genome position (GRCh38, 1-based): chr6:64,388,827, G>C on the plus strand (C>G on the coding strand, the complement: EYS is on the minus strand). VCF-style: chr6-64388827-G-C. GRCh37 (hg19) VCF-style: chr6-65098720-G-C.
Other names: c.5941C>G, p.Pro1981Ala (NM_001292009.2); short protein forms P1981A.
Identifiers: ClinVar variation 3626787 (VCV003626787.1).